The following is an entry in ClinVar:

NM_000091.5(COL4A3):c.1777G>A (p.Gly593Arg)

Genes: COL4A3 (collagen type IV alpha 3 chain; plus strand), MFF-DT (MFF divergent transcript; minus strand). Cytogenetic location: 2q36.3.
Variant type: single nucleotide variant.
Coding change: c.1777G>A on transcript NM_000091.5 (MANE Select); coding-DNA position 1777, G replaced by A.
Protein change: p.Gly593Arg; replaces glycine 593 with arginine.
Molecular consequence: missense variant.
Genome position (GRCh38, 1-based): chr2:227,272,967, G>A. VCF-style: chr2-227272967-G-A. GRCh37 (hg19) VCF-style: chr2-228137683-G-A.
Other names: short protein forms G593R.
Identifiers: ClinVar variation 2637143 (VCV002637143.2), dbSNP rs2469699523, ClinGen allele CA350844771.

ClinVar aggregate classification (germline): Likely pathogenic. Review status: criteria provided, multiple submitters, no conflicts (2 of 4 stars). 2 submissions from 2 submitters: Likely pathogenic (2). Last evaluated 2024-03-06.

Conditions:
COL4A3-related disorder. Also called: COL4A3-related condition; COL4A3-Related Disorders.
Hematuria, benign familial, 2 (BFH2). Identifiers: MedGen C5830421, MONDO:0958186, OMIM 620320.
Alport syndrome 3b, autosomal recessive. Identifiers: MedGen C5882699, MONDO:0957811, OMIM 620536.
Autosomal dominant Alport syndrome (ATS3A). Also called: Alport syndrome dominant type; Renal failure and sensorineural hearing loss; ALPORT SYNDROME 3A, AUTOSOMAL DOMINANT. Identifiers: Orphanet 63, Orphanet 88918, MedGen C5882663, MONDO:0007086, OMIM 104200.

Allele frequency attached by ClinVar (database versions not stated): gnomAD exomes below 0.00001.
gnomAD v4.1: 2 of 1,614,108 alleles (0.00012%); highest among the groups gnomAD compares: Non-Finnish European, 0.00017%; no homozygotes.

Submissions (2):

Fulgent Genetics
Classification: Likely pathogenic for Autosomal dominant Alport syndrome; Hematuria, benign familial, 2; Alport syndrome 3b, autosomal recessive. Last evaluated: 2024-03-06. Review status: criteria provided, single submitter. Criteria: ACMG Guidelines, 2015. Collection method: clinical testing. Allele origin: germline.

PreventionGenetics, part of Exact Sciences
Classification: Likely pathogenic for COL4A3-related condition. Last evaluated: 2022-10-03. Review status: criteria provided, single submitter. Criteria: ACMG Guidelines, 2015. Collection method: clinical testing. Allele origin: germline.
Comment: The COL4A3 c.1777G>A variant is predicted to result in the amino acid substitution p.Gly593Arg. The p.Gly593 residue is located in the conserved triple helical domain, where substitutions of the glycine are usually pathogenic (UniProt residues 43-1438, Hudson et al. 1993. PubMed ID: 8253711). To our knowledge, this variant has not been reported in the literature or in a large population database, indicating this variant is rare. This variant is interpreted as likely pathogenic.